The following is an entry in ClinVar:

NM_033159.4(HYAL1):c.345_348dup (p.Ile117fs)

Gene: HYAL1 (hyaluronidase 1; minus strand). Cytogenetic location: 3p21.31.
Variant type: Duplication.
Coding change: c.345_348dup on transcript NM_033159.4 (MANE Select); coding-DNA positions 345 to 348, 4 bases duplicated (TGCC; older notation c.345_348dupTGCC).
Protein change: p.Ile117fs; shifts the reading frame from isoleucine 117.
Molecular consequence: frameshift variant. On other transcripts: 5 prime UTR variant (1), non-coding transcript variant (1), intron variant (1).
Genome position (GRCh38, 1-based): chr3:50,302,609-50,302,612, GGCA duplicated on the plus strand (TGCC on the coding strand, the reverse complement: HYAL1 is on the minus strand); duplicating any 4 consecutive bases within chr3:50,302,609-50,302,613 gives the same sequence; the c. name uses the placement nearest the transcript's 3' end. VCF-style (leftmost placement, unchanged base first): chr3-50302608-T-TGGCA. GRCh37 (hg19) VCF-style: chr3-50340039-T-TGGCA.
Other names: c.344_347dup, p.Ile117Cysfs (NM_007312.3); c.345_348dup, p.Ile117fs (NM_153281.2, NM_153282.3); c.-202_-199dup (NM_153283.3); c.-26-407_-26-404dup (NM_153285.3); short protein forms I117fs.
Identifiers: ClinVar variation 2062762 (VCV002062762.4), dbSNP rs2470851875, ClinGen allele CA2580070343.
Genomic context (GRCh38, chr3:50,302,608, plus strand): 5'-AGCGTGGGCGCCATGCCTCCCAGTCGATGACTGCCAGCCCTGAGAAGTCAGGAGCAGGTA[T>TGGCA]GGCAGCCAGGATGTCCTGGAATGTGCGGGCCAGGTGGGCAATCAGGCTGGCATTCTGGGG-3'

ClinVar aggregate classification (germline): Pathogenic (1 of 4 stars; one submission).

Conditions:
Deficiency of hyaluronoglucosaminidase (MPS9). Also called: HYALURONIDASE DEFICIENCY; Mucopolysaccharidosis type 9; MPS IX. Identifiers: Orphanet 67041, MedGen C1291490, MONDO:0011093, OMIM 601492.

Submission:

Labcorp Genetics (formerly Invitae), Labcorp
Classification: Pathogenic for Deficiency of hyaluronoglucosaminidase. Last evaluated: 2021-12-27. Review status: criteria provided, single submitter. Criteria: Invitae Variant Classification Sherloc (09022015). Collection method: clinical testing. Allele origin: germline.
Comment: This variant has not been reported in the literature in individuals affected with HYAL1-related conditions. This variant is not present in population databases (gnomAD no frequency). This sequence change creates a premature translational stop signal (p.Ile117Cysfs*6) in the HYAL1 gene. It is expected to result in an absent or disrupted protein product. Loss-of-function variants in HYAL1 are known to be pathogenic (PMID: 10339581, 21559944). For these reasons, this variant has been classified as Pathogenic.

Literature cited by the submitters: PubMed 10339581; PubMed 21559944.